The following is an entry in ClinVar:

ClinVar aggregate classification (germline): Uncertain significance (1 of 4 stars; one submission).

Submission:

Labcorp Genetics (formerly Invitae), Labcorp
Classification: Uncertain significance. Last evaluated: 2021-09-18. Review status: criteria provided, single submitter. Criteria: Invitae Variant Classification Sherloc (09022015). Collection method: clinical testing. Allele origin: germline.
Comment: In summary, the available evidence is currently insufficient to determine the role of this variant in disease. Therefore, it has been classified as a Variant of Uncertain Significance. Algorithms developed to predict the effect of sequence changes on RNA splicing suggest that this variant may create or strengthen a splice site. Advanced modeling of protein sequence and biophysical properties (such as structural, functional, and spatial information, amino acid conservation, physicochemical variation, residue mobility, and thermodynamic stability) performed at Invitae indicates that this missense variant is not expected to disrupt COL9A3 protein function. This variant has not been reported in the literature in individuals affected with COL9A3-related conditions. This variant is not present in population databases (ExAC no frequency). This sequence change replaces isoleucine with valine at codon 533 of the COL9A3 protein (p.Ile533Val). The isoleucine residue is highly conserved and there is a small physicochemical difference between isoleucine and valine.

NM_001853.4(COL9A3):c.1597A>G (p.Ile533Val)

Genes: COL9A3 (collagen type IX alpha 3 chain; plus strand), LOC126863084 (MED14-independent group 3 enhancer GRCh37_chr20:61467141-61468340; plus strand). Cytogenetic location: 20q13.33.
Variant type: single nucleotide variant.
Coding change: c.1597A>G on transcript NM_001853.4 (MANE Select); coding-DNA position 1597, A replaced by G.
Protein change: p.Ile533Val; replaces isoleucine 533 with valine.
Molecular consequence: missense variant.
Genome position (GRCh38, 1-based): chr20:62,836,526, A>G. VCF-style: chr20-62836526-A-G. GRCh37 (hg19) VCF-style: chr20-61467878-A-G.
Other names: short protein forms I533V.
Identifiers: ClinVar variation 1520090 (VCV001520090.6), dbSNP rs1477744215, ClinGen allele CA409598709.